The following is an entry in ClinVar:

NM_017946.4(FKBP14):c.34dup (p.Leu12fs)

Genes: FKBP14-AS1 (FKBP14 antisense RNA 1; plus strand), FKBP14 (FKBP prolyl isomerase 14; minus strand). Cytogenetic location: 7p14.3.
Variant type: Duplication.
Coding change: c.34dup on transcript NM_017946.4 (MANE Select); coding-DNA position 34, one base duplicated (C; older notation c.34dupC).
Protein change: p.Leu12fs; shifts the reading frame from leucine 12.
Molecular consequence: frameshift variant. On other transcripts: non-coding transcript variant (2).
Genome position (GRCh38, 1-based): chr7:30,026,475, G duplicated on the plus strand (C on the coding strand, the reverse complement: FKBP14 is on the minus strand). VCF-style (leftmost placement, unchanged base first): chr7-30026474-A-AG. GRCh37 (hg19) VCF-style: chr7-30066090-A-AG.
Other names: c.34dupC (NM_017946.2); short protein forms L12fs.
Identifiers: ClinVar variation 1800565 (VCV001800565.3), dbSNP rs778176957, ClinGen allele CA4203519.

ClinVar aggregate classification (germline): Pathogenic/Likely pathogenic. Review status: criteria provided, multiple submitters, no conflicts (2 of 4 stars). 3 submissions from 3 submitters: Pathogenic (2); Likely pathogenic (1). Last evaluated 2025-04-23.

Conditions:
Cardiovascular phenotype. Identifiers: MedGen CN230736.
Ehlers-Danlos syndrome, kyphoscoliotic type, 2. Also called: Ehlers-Danlos syndrome with progressive kyphoscoliosis, myopathy, and hearing loss; Ehlers-Danlos syndrome, kyphoscoliotic and deafness type; FKBP14-Kyphoscoliotic Ehlers-Danlos Syndrome. Identifiers: Orphanet 300179, MedGen C3281160, MONDO:0013800, OMIM 614557.

Allele frequency attached by ClinVar (database versions not stated): gnomAD 0.00001; ExAC 0.00002; TOPMed 0.00002; gnomAD exomes 0.00004; ESP Exome Variant Server 0.00008.

Submissions (3):

Labcorp Genetics (formerly Invitae), Labcorp
Classification: Pathogenic for Ehlers-Danlos syndrome, kyphoscoliotic type, 2. Last evaluated: 2025-04-23. Review status: criteria provided, single submitter. Criteria: Invitae Variant Classification Sherloc (09022015). Collection method: clinical testing. Allele origin: germline.
Comment: This sequence change creates a premature translational stop signal (p.Leu12Profs*13) in the FKBP14 gene. It is expected to result in an absent or disrupted protein product. Loss-of-function variants in FKBP14 are known to be pathogenic (PMID: 22265013). This variant is present in population databases (rs778176957, gnomAD 0.002%). This variant has not been reported in the literature in individuals affected with FKBP14-related conditions. ClinVar contains an entry for this variant (Variation ID: 1800565). For these reasons, this variant has been classified as Pathogenic.

Ambry Genetics
Classification: Pathogenic for Cardiovascular phenotype. Last evaluated: 2024-12-03. Review status: criteria provided, single submitter. Criteria: Ambry Variant Classification Scheme 2023. Collection method: clinical testing. Allele origin: germline.
Comment: The c.34dupC pathogenic mutation, located in coding exon 1 of the FKBP14 gene, results from a duplication of C at nucleotide position 34, causing a translational frameshift with a predicted alternate stop codon (p.L12Pfs*13). This variant is considered to be rare based on population cohorts in the Genome Aggregation Database (gnomAD). This alteration is expected to result in loss of function by premature protein truncation or nonsense-mediated mRNA decay. As such, this alteration is interpreted as a disease-causing mutation.

GeneDx
Classification: Likely pathogenic. Last evaluated: 2022-11-09. Review status: criteria provided, single submitter. Criteria: GeneDx Variant Classification Process June 2021. Collection method: clinical testing. Allele origin: germline. Affected: yes.
Comment: Frameshift variant predicted to result in protein truncation or nonsense mediated decay in a gene for which loss of function is a known mechanism of disease; Not observed at significant frequency in large population cohorts (gnomAD); Has not been previously published as pathogenic or benign to our knowledge

Literature cited by the submitters: PubMed 22265013 (cited by Labcorp Genetics (formerly Invitae), Labcorp).